The following is an entry in ClinVar:

NM_005045.4(RELN):c.7644G>A (p.Ser2548=)

Gene: RELN (reelin; minus strand). Cytogenetic location: 7q22.1.
Variant type: single nucleotide variant.
Coding change: c.7644G>A on transcript NM_005045.4 (MANE Select); coding-DNA position 7644, G replaced by A.
Protein change: p.Ser2548=; no amino-acid change (serine 2548 retained).
Molecular consequence: synonymous variant.
Genome position (GRCh38, 1-based): chr7:103,522,046, C>T on the plus strand (G>A on the coding strand, the complement: RELN is on the minus strand). VCF-style: chr7-103522046-C-T. GRCh37 (hg19) VCF-style: chr7-103162493-C-T.
Other names: c.7644G>A, p.Ser2548= (NM_173054.3).
Identifiers: ClinVar variation 212047 (VCV000212047.18), dbSNP rs150743664, ClinGen allele CA208354.

ClinVar aggregate classification (germline): Conflicting classifications of pathogenicity. Review status: criteria provided, conflicting classifications (1 of 4 stars). 4 submissions from 4 submitters: Uncertain significance (1); Benign (1); Likely benign (2). Last evaluated 2025-11-10.

Conditions:
Norman-Roberts syndrome (LIS2). Also called: Lissencephaly 2 (Norman-Roberts type). Identifiers: Orphanet 89844, MedGen C0796089, MONDO:0009760, OMIM 257320.
Familial temporal lobe epilepsy 7. Identifiers: Orphanet 101046, MedGen C4225327, MONDO:0014639, OMIM 616436.

Allele frequency attached by ClinVar (database versions not stated): gnomAD exomes 0.00004; 1000 Genomes Project 0.00020; 1000 Genomes Project 30x 0.00031; ESP Exome Variant Server 0.00038; TOPMed 0.00051; gnomAD 0.00052 and 0.00055.
gnomAD v4.1: 131 of 1,614,064 alleles (0.0081%); highest among the groups gnomAD compares: African/African-American, 0.17%; no homozygotes.

Submissions (4):

Labcorp Genetics (formerly Invitae), Labcorp
Classification: Likely benign for Familial temporal lobe epilepsy 7; Norman-Roberts syndrome. Last evaluated: 2025-11-10. Review status: criteria provided, single submitter. Criteria: Invitae Variant Classification Sherloc (09022015). Collection method: clinical testing. Allele origin: germline.

Athena Diagnostics
Classification: Benign. Last evaluated: 2024-12-24. Review status: criteria provided, single submitter. Criteria: Athena Diagnostics Criteria. Collection method: clinical testing. Allele origin: unknown.
Comment: The frequency of this variant in the general population is higher than would generally be expected for pathogenic variants in this gene. Computational tools yielded predictions that this variant is unlikely to have an effect on normal RNA splicing. This nucleotide position exhibits low evolutionary conservation.

GeneDx
Classification: Likely benign. Last evaluated: 2017-08-21. Review status: criteria provided, single submitter. Criteria: GeneDx Variant Classification (06012015). Collection method: clinical testing. Allele origin: germline. Affected: yes.
Comment: This variant is considered likely benign or benign based on one or more of the following criteria: it is a conservative change, it occurs at a poorly conserved position in the protein, it is predicted to be benign by multiple in silico algorithms, and/or has population frequency not consistent with disease.

Genetic Services Laboratory, University of Chicago
Classification: Uncertain significance. Last evaluated: 2015-03-17. Review status: criteria provided, single submitter. Criteria: ACMG Guidelines, 2015. Collection method: clinical testing. Allele origin: germline.